The following is an entry in ClinVar:

NM_001853.4(COL9A3):c.147+4_147+5del

Gene: COL9A3 (collagen type IX alpha 3 chain; plus strand). Cytogenetic location: 20q13.33.
Variant type: Deletion.
Coding change: c.147+4_147+5del on transcript NM_001853.4 (MANE Select); bases 4 to 5 of the intron after coding-DNA position 147, 2 bases deleted (AG; older notation c.147+4_147+5delAG).
Molecular consequence: intron variant.
Genome position (GRCh38, 1-based): chr20:62,817,639-62,817,640, AG deleted; deleting any 2 consecutive bases within chr20:62,817,638-62,817,640 gives the same sequence; the c. name uses the placement nearest the transcript's 3' end. VCF-style (leftmost placement, unchanged base first): chr20-62817637-TGA-T. GRCh37 (hg19) VCF-style: chr20-61448989-TGA-T.
Identifiers: ClinVar variation 4726489 (VCV004726489.1).

ClinVar aggregate classification (germline): Uncertain significance (1 of 4 stars; one submission).

Submission:

Labcorp Genetics (formerly Invitae), Labcorp
Classification: Uncertain significance. Last evaluated: 2025-09-06. Review status: criteria provided, single submitter. Criteria: Invitae Variant Classification Sherloc (09022015). Collection method: clinical testing. Allele origin: germline.
Comment: This sequence change falls in intron 2 of the COL9A3 gene. It does not directly change the encoded amino acid sequence of the COL9A3 protein. It affects a nucleotide within the consensus splice site. This variant is not present in population databases (gnomAD no frequency). This variant has not been reported in the literature in individuals affected with COL9A3-related conditions. Variants that disrupt the consensus splice site are a relatively common cause of aberrant splicing (PMID: 17576681, 9536098). Algorithms developed to predict the effect of sequence changes on RNA splicing suggest that this variant may disrupt the consensus splice site. In summary, the available evidence is currently insufficient to determine the role of this variant in disease. Therefore, it has been classified as a Variant of Uncertain Significance.

Literature cited by the submitters: PubMed 17576681; PubMed 9536098.